The following is an entry in ClinVar:

NM_000587.4(C7):c.1359C>A (p.Asp453Glu)

Gene: C7 (complement C7; plus strand). Cytogenetic location: 5p13.1.
Variant type: single nucleotide variant.
Coding change: c.1359C>A on transcript NM_000587.4 (MANE Select); coding-DNA position 1359, C replaced by A.
Protein change: p.Asp453Glu; replaces aspartic acid 453 with glutamic acid.
Molecular consequence: missense variant.
Genome position (GRCh38, 1-based): chr5:40,958,131, C>A. VCF-style: chr5-40958131-C-A. GRCh37 (hg19) VCF-style: chr5-40958233-C-A.
Other names: short protein forms D453E.
Identifiers: ClinVar variation 1901439 (VCV001901439.5), dbSNP rs1416569017, ClinGen allele CA359586496.

ClinVar aggregate classification (germline): Uncertain significance. Review status: criteria provided, multiple submitters, no conflicts (2 of 4 stars). 2 submissions from 2 submitters: Uncertain significance (2). Last evaluated 2024-10-25.

Conditions:
Inborn genetic diseases. Identifiers: MedGen C0950123, MeSH D030342.

Allele frequency attached by ClinVar (database versions not stated): gnomAD 0.00001.
gnomAD v4.1: 39 of 1,613,646 alleles (0.0024%); highest among the groups gnomAD compares: Non-Finnish European, 0.0032%; no homozygotes.

Submissions (2):

Ambry Genetics
Classification: Uncertain significance for Inborn genetic diseases. Last evaluated: 2024-10-25. Review status: criteria provided, single submitter. Criteria: Ambry Variant Classification Scheme 2023. Collection method: clinical testing. Allele origin: germline.

Labcorp Genetics (formerly Invitae), Labcorp
Classification: Uncertain significance. Last evaluated: 2024-01-15. Review status: criteria provided, single submitter. Criteria: Invitae Variant Classification Sherloc (09022015). Collection method: clinical testing. Allele origin: germline.
Comment: This sequence change replaces aspartic acid, which is acidic and polar, with glutamic acid, which is acidic and polar, at codon 453 of the C7 protein (p.Asp453Glu). This variant is not present in population databases (gnomAD no frequency). This variant has not been reported in the literature in individuals affected with C7-related conditions. ClinVar contains an entry for this variant (Variation ID: 1901439). Advanced modeling of protein sequence and biophysical properties (such as structural, functional, and spatial information, amino acid conservation, physicochemical variation, residue mobility, and thermodynamic stability) performed at Invitae indicates that this missense variant is expected to disrupt C7 protein function with a positive predictive value of 80%. In summary, the available evidence is currently insufficient to determine the role of this variant in disease. Therefore, it has been classified as a Variant of Uncertain Significance.